The following is an entry in ClinVar:

NM_153717.3(EVC):c.37del (p.Arg13fs)

Gene: EVC (EvC ciliary complex subunit 1; plus strand). Cytogenetic location: 4p16.2.
Variant type: Deletion.
Coding change: c.37del on transcript NM_153717.3 (MANE Select); coding-DNA position 37, one base deleted (C; older notation c.37delC).
Protein change: p.Arg13fs; shifts the reading frame from arginine 13.
Molecular consequence: frameshift variant.
Genome position (GRCh38, 1-based): chr4:5,711,417, C deleted. VCF-style (leftmost placement, unchanged base first): chr4-5711416-GC-G. GRCh37 (hg19) VCF-style: chr4-5713143-GC-G.
Other names: c.37del, p.Arg13fs (NM_001306090.2, NM_001306092.2); short protein forms R13fs.
Identifiers: ClinVar variation 1724654 (VCV001724654.2), dbSNP rs2474192655, ClinGen allele CA2580070795.

ClinVar aggregate classification (germline): Likely pathogenic (1 of 4 stars; one submission).

Conditions:
Ellis-van Creveld syndrome (EVC). Also called: EVC-Related Ellis-van Creveld Syndrome; EVC2-Related Ellis-van Creveld Syndrome; MESOECTODERMAL DYSPLASIA; Chondroectodermal dysplasia. Identifiers: Orphanet 289, MedGen C0013903, MONDO:0009162, OMIM 225500.

Submission:

Myriad Genetics, Inc.
Classification: Likely pathogenic for Ellis-van Creveld syndrome. Last evaluated: 2022-02-24. Review status: criteria provided, single submitter. Criteria: Myriad Women's Health Autosomal Recessive and X-Linked Classification Criteria (2021). Collection method: clinical testing. Allele origin: unknown.
Comment: NM_153717.2(EVC):c.37delC(R13Gfs*103) is expected to be pathogenic in the context of EVC-related Ellis-van Creveld syndrome. This variant is predicted to lead to an abnormal or absent protein product due to the creation of a premature termination codon in EVC, a gene where loss-of-function variants are known to be pathogenic. Please note: this variant was assessed in the context of healthy population screening.